The following is an entry in ClinVar:

NM_031471.6(FERMT3):c.1311+13_1311+29del

Gene: FERMT3 (FERM domain containing kindlin 3; plus strand). Cytogenetic location: 11q13.1.
Variant type: Deletion.
Coding change: c.1311+13_1311+29del on transcript NM_031471.6 (MANE Select); bases 13 to 29 of the intron after coding-DNA position 1311, 17 bases deleted (TGGGCAGGGGCCAGGGC).
Molecular consequence: intron variant.
Genome position (GRCh38, 1-based): chr11:64,220,339-64,220,355, TGGGCAGGGGCCAGGGC deleted; deleting any 17 consecutive bases within chr11:64,220,334-64,220,355 gives the same sequence; the c. name uses the placement nearest the transcript's 3' end. VCF-style (leftmost placement, unchanged base first): chr11-64220333-GAGGGCTGGGCAGGGGCC-G. GRCh37 (hg19) VCF-style: chr11-63987805-GAGGGCTGGGCAGGGGCC-G.
Other names: c.1311+13_1311+29del (NM_001382448.1, NM_001382361.1); c.1323+13_1323+29del (NM_178443.3, NM_001382362.1); c.783+13_783+29del (NM_001382364.1); c.771+13_771+29del (NM_001382363.1).
Identifiers: ClinVar variation 2983272 (VCV002983272.1), dbSNP rs2496025248, ClinGen allele CA2614110936.

ClinVar aggregate classification (germline): Uncertain significance (1 of 4 stars; one submission).

Conditions:
Leukocyte adhesion deficiency 3. Also called: Leukocyte adhesion deficiency, type III; INTEGRIN ACTIVATION DEFICIENCY DISEASE; LEUKOCYTE ADHESION DEFICIENCY 1 VARIANT. Identifiers: Orphanet 2968, Orphanet 99844, MedGen C2748536, MONDO:0013016, OMIM 612840.

Submission:

Labcorp Genetics (formerly Invitae), Labcorp
Classification: Uncertain significance for Leukocyte adhesion deficiency 3. Last evaluated: 2022-12-31. Review status: criteria provided, single submitter. Criteria: Invitae Variant Classification Sherloc (09022015). Collection method: clinical testing. Allele origin: germline.
Comment: In summary, the available evidence is currently insufficient to determine the role of this variant in disease. Therefore, it has been classified as a Variant of Uncertain Significance. Algorithms developed to predict the effect of sequence changes on RNA splicing suggest that this variant may disrupt the consensus splice site. This variant has not been reported in the literature in individuals affected with FERMT3-related conditions. This variant is not present in population databases (gnomAD no frequency). This sequence change falls in intron 11 of the FERMT3 gene. It does not directly change the encoded amino acid sequence of the FERMT3 protein.